The following is an entry in ClinVar:

ClinVar aggregate classification (germline): Uncertain significance. Review status: criteria provided, multiple submitters, no conflicts (2 of 4 stars). 2 submissions from 2 submitters: Uncertain significance (2). Last evaluated 2024-02-29.

Allele frequency attached by ClinVar (database versions not stated): TOPMed 0.00005; gnomAD 0.00007; 1000 Genomes Project 30x 0.00016; 1000 Genomes Project 0.00020.
gnomAD v4.1: 54 of 1,303,074 alleles (0.0041%); highest among the groups gnomAD compares: Non-Finnish European, 0.0053%; no homozygotes.

Submissions (2):

Blueprint Genetics
Classification: Uncertain significance. Last evaluated: 2024-02-29. Review status: criteria provided, single submitter. Criteria: ACMG Guidelines, 2015. Collection method: clinical testing. Allele origin: germline.

Labcorp Genetics (formerly Invitae), Labcorp
Classification: Uncertain significance. Last evaluated: 2022-01-27. Review status: criteria provided, single submitter. Criteria: Invitae Variant Classification Sherloc (09022015). Collection method: clinical testing. Allele origin: germline.
Comment: This sequence change replaces glutamic acid, which is acidic and polar, with glutamine, which is neutral and polar, at codon 737 of the ERCC6L2 protein (p.Glu737Gln). This variant is present in population databases (rs554158930, gnomAD 0.007%). This variant has not been reported in the literature in individuals affected with ERCC6L2-related conditions. Algorithms developed to predict the effect of missense changes on protein structure and function are either unavailable or do not agree on the potential impact of this missense change (SIFT: "Tolerated"; PolyPhen-2: "Not Available"; Align-GVGD: "Class C0"). In summary, the available evidence is currently insufficient to determine the role of this variant in disease. Therefore, it has been classified as a Variant of Uncertain Significance.

NM_020207.7(ERCC6L2):c.2176G>C (p.Glu726Gln)

Gene: ERCC6L2 (ERCC excision repair 6 like 2; plus strand). Cytogenetic location: 9q22.32.
Variant type: single nucleotide variant.
Coding change: c.2176G>C on transcript NM_020207.7 (MANE Select); coding-DNA position 2176, G replaced by C.
Protein change: p.Glu726Gln; replaces glutamic acid 726 with glutamine.
Molecular consequence: missense variant. On other transcripts: non-coding transcript variant (1).
Genome position (GRCh38, 1-based): chr9:95,970,651, G>C. VCF-style: chr9-95970651-G-C. GRCh37 (hg19) VCF-style: chr9-98732933-G-C.
Other names: c.2176G>C, p.Glu726Gln (NM_001375291.1, NM_001375292.1, NM_001375293.1 and 1 more transcripts); short protein forms E726Q.
Identifiers: ClinVar variation 1904889 (VCV001904889.3), dbSNP rs554158930, ClinGen allele CA196596774.